The following is an entry in ClinVar:

ClinVar aggregate classification (germline): Uncertain significance (1 of 4 stars; one submission).

Conditions:
LAMA2-related muscular dystrophy (LAMA2-RD). Also called: Laminin alpha 2-related dystrophy. Identifiers: MedGen C5679788, MONDO:0100228.

Submission:

Labcorp Genetics (formerly Invitae), Labcorp
Classification: Uncertain significance for LAMA2-related muscular dystrophy. Last evaluated: 2021-08-26. Review status: criteria provided, single submitter. Criteria: Invitae Variant Classification Sherloc (09022015). Collection method: clinical testing. Allele origin: germline.
Comment: In summary, the available evidence is currently insufficient to determine the role of this variant in disease. Therefore, it has been classified as a Variant of Uncertain Significance. Algorithms developed to predict the effect of sequence changes on RNA splicing suggest that this variant may create or strengthen a splice site. Advanced modeling of protein sequence and biophysical properties (such as structural, functional, and spatial information, amino acid conservation, physicochemical variation, residue mobility, and thermodynamic stability) performed at Invitae indicates that this missense variant is not expected to disrupt LAMA2 protein function. This variant has not been reported in the literature in individuals affected with LAMA2-related conditions. This variant is not present in population databases (ExAC no frequency). This sequence change replaces alanine with threonine at codon 1362 of the LAMA2 protein (p.Ala1362Thr). The alanine residue is highly conserved and there is a small physicochemical difference between alanine and threonine.

NM_000426.4(LAMA2):c.4084G>A (p.Ala1362Thr)

Gene: LAMA2 (laminin subunit alpha 2; plus strand). Cytogenetic location: 6q22.33.
Variant type: single nucleotide variant.
Coding change: c.4084G>A on transcript NM_000426.4 (MANE Select); coding-DNA position 4084, G replaced by A.
Protein change: p.Ala1362Thr; replaces alanine 1362 with threonine.
Molecular consequence: missense variant.
Genome position (GRCh38, 1-based): chr6:129,320,563, G>A. VCF-style: chr6-129320563-G-A. GRCh37 (hg19) VCF-style: chr6-129641708-G-A.
Other names: c.4084G>A, p.Ala1362Thr (NM_001079823.2); short protein forms A1362T.
Identifiers: ClinVar variation 1448762 (VCV001448762.7), dbSNP rs1017844102, ClinGen allele CA146884121.
Genomic context (GRCh38, chr6:129,320,563, plus strand): 5'-TCATAGTAATCTAAGTACATTCTCGCTGTTTCTAGGATTTCTGAAATCTCAATGGAGGTA[G>A]CTGAACAAGGACGTGGAACAACAATGACTCCTCCAGCTGACTTGATTGAAAAATGTGATT-3'
Protein context (NP_000417.3, residues 1352-1372): SRISEISMEV[Ala1362Thr]EQGRGTTMTP